The following is an entry in ClinVar:

NM_003193.5(TBCE):c.195del (p.Gly66fs)

Gene: TBCE (tubulin folding cofactor E; plus strand). Cytogenetic location: 1q42.3.
Variant type: Deletion.
Coding change: c.195del on transcript NM_003193.5 (MANE Select); coding-DNA position 195, one base deleted (A; older notation c.195delA).
Protein change: p.Gly66fs; shifts the reading frame from glycine 66.
Molecular consequence: frameshift variant. On other transcripts: 5 prime UTR variant (1).
Genome position (GRCh38, 1-based): chr1:235,414,442, A deleted. VCF-style (leftmost placement, unchanged base first): chr1-235414441-CA-C. GRCh37 (hg19) VCF-style: chr1-235577756-CA-C.
Other names: c.195del, p.Gly66fs (NM_001079515.3, NM_001287801.2); c.-201del (NM_001287802.2); short protein forms G66fs.
Identifiers: ClinVar variation 3001983 (VCV003001983.3), dbSNP rs1179717146, ClinGen allele CA733115401.

ClinVar aggregate classification (germline): Pathogenic (1 of 4 stars; one submission).

Allele frequency attached by ClinVar (database versions not stated): gnomAD exomes below 0.00001; TOPMed below 0.00001.

Submission:

Labcorp Genetics (formerly Invitae), Labcorp
Classification: Pathogenic. Last evaluated: 2023-06-06. Review status: criteria provided, single submitter. Criteria: Invitae Variant Classification Sherloc (09022015). Collection method: clinical testing. Allele origin: germline.
Comment: This sequence change creates a premature translational stop signal (p.Gly66Glufs*10) in the TBCE gene. It is expected to result in an absent or disrupted protein product. Loss-of-function variants in TBCE are known to be pathogenic (PMID: 27666369, 34134906, 34356170). This variant is not present in population databases (gnomAD no frequency). This variant has not been reported in the literature in individuals affected with TBCE-related conditions. For these reasons, this variant has been classified as Pathogenic.

Literature cited by the submitters: PubMed 27666369; PubMed 34134906; PubMed 34356170.